The following is an entry in ClinVar:

ClinVar aggregate classification (germline): Uncertain significance. Review status: criteria provided, multiple submitters, no conflicts (2 of 4 stars). 3 submissions from 3 submitters: Uncertain significance (3). Last evaluated 2026-02-20.

Conditions:
Hypertrophic cardiomyopathy. Also called: HYPERTROPHIC MYOCARDIOPATHY. Identifiers: Orphanet 217569, MedGen C0007194, MeSH D002312, MONDO:0005045, HP:0001639.
MYH7-related disorder. Also called: MYH7-related condition; MYH7-related disease; MYH7-related disorders.
Cardiomyopathy (CMYO). Also called: Cardiomyopathies. Identifiers: Orphanet 167848, MedGen C0878544, MONDO:0004994, HP:0001638. Inheritance: Various modes of inheritance.

Allele frequency attached by ClinVar (database versions not stated): gnomAD exomes below 0.00001 and 0.00001; ExAC 0.00001.
gnomAD v4.1: 3 of 1,614,220 alleles (0.00019%); highest among the groups gnomAD compares: East Asian, 0.0045%; no homozygotes.

Submissions (3):

PreventionGenetics, part of Exact Sciences
Classification: Uncertain significance for MYH7-related condition. Last evaluated: 2026-02-20. Review status: criteria provided, single submitter. Criteria: ACMG Guidelines, 2015. Collection method: clinical testing. Allele origin: germline.
Comment: The MYH7 c.5074G>T variant is predicted to result in the amino acid substitution p.Val1692Leu. To our knowledge, this variant has not been reported in the literature. This variant is reported in 0.0054% of alleles in individuals of East Asian descent in gnomAD. At this time, the clinical significance of this variant is uncertain due to the absence of conclusive functional and genetic evidence.

Labcorp Genetics (formerly Invitae), Labcorp
Classification: Uncertain significance for Hypertrophic cardiomyopathy. Last evaluated: 2024-10-15. Review status: criteria provided, single submitter. Criteria: Invitae Variant Classification Sherloc (09022015). Collection method: clinical testing. Allele origin: germline.
Comment: This sequence change replaces valine, which is neutral and non-polar, with leucine, which is neutral and non-polar, at codon 1692 of the MYH7 protein (p.Val1692Leu). This variant is present in population databases (rs748373063, gnomAD 0.006%). This variant has not been reported in the literature in individuals affected with MYH7-related conditions. ClinVar contains an entry for this variant (Variation ID: 925083). Invitae Evidence Modeling of protein sequence and biophysical properties (such as structural, functional, and spatial information, amino acid conservation, physicochemical variation, residue mobility, and thermodynamic stability) indicates that this missense variant is not expected to disrupt MYH7 protein function with a negative predictive value of 95%. In summary, the available evidence is currently insufficient to determine the role of this variant in disease. Therefore, it has been classified as a Variant of Uncertain Significance.

Color Diagnostics, LLC DBA Color Health
Classification: Uncertain significance for Cardiomyopathy. Last evaluated: 2023-12-05. Review status: criteria provided, single submitter. Criteria: ACMG Guidelines, 2015. Collection method: clinical testing. Allele origin: germline.
Comment: This missense variant replaces valine with leucine at codon 1692 of the MYH7 protein. Computational prediction tools and conservation analyses are inconclusive regarding the impact of this variant on protein structure and function. Splice site prediction tools suggest that this variant may not impact RNA splicing. To our knowledge, functional studies have not been performed for this variant. This variant has not been reported in individuals affected with cardiovascular disorders in the literature. This variant has been identified in 1/251328 chromosomes in the general population by the Genome Aggregation Database (gnomAD). The available evidence is insufficient to determine the role of this variant in disease conclusively. Therefore, this variant is classified as a Variant of Uncertain Significance.

NM_000257.4(MYH7):c.5074G>T (p.Val1692Leu)

Genes: MHRT (myosin heavy chain associated RNA transcript; plus strand), MYH7 (myosin heavy chain 7; minus strand), LOC126861897 (BRD4-independent group 4 enhancer GRCh37_chr14:23884455-23885654; plus strand). Cytogenetic location: 14q11.2.
Variant type: single nucleotide variant.
Coding change: c.5074G>T on transcript NM_000257.4 (MANE Select); coding-DNA position 5074, G replaced by T.
Protein change: p.Val1692Leu; replaces valine 1692 with leucine.
Molecular consequence: missense variant. On other transcripts: non-coding transcript variant (1).
Genome position (GRCh38, 1-based): chr14:23,415,712, C>A on the plus strand (G>T on the coding strand, the complement: MYH7 is on the minus strand). VCF-style: chr14-23415712-C-A. GRCh37 (hg19) VCF-style: chr14-23884921-C-A.
Other names: short protein forms V1692L.
Identifiers: ClinVar variation 925083 (VCV000925083.11), dbSNP rs748373063, ClinGen allele CA045235.